The following is an entry in ClinVar:

NM_001127649.3(PEX26):c.33C>G (p.Pro11=)

Gene: PEX26 (peroxisomal biogenesis factor 26; plus strand). Cytogenetic location: 22q11.21.
Variant type: single nucleotide variant.
Coding change: c.33C>G on transcript NM_001127649.3 (MANE Select); coding-DNA position 33, C replaced by G.
Protein change: p.Pro11=; no amino-acid change (proline 11 retained).
Molecular consequence: synonymous variant.
Genome position (GRCh38, 1-based): chr22:18,078,409, C>G. VCF-style: chr22-18078409-C-G. GRCh37 (hg19) VCF-style: chr22-18561175-C-G.
Other names: c.33C>G (NM_017929.5); c.33C>G, p.Pro11= (NM_001199319.2, NM_017929.6).
Identifiers: ClinVar variation 594669 (VCV000594669.14), dbSNP rs199668827, ClinGen allele CA10093199.

ClinVar aggregate classification (germline): Conflicting classifications of pathogenicity. Review status: criteria provided, conflicting classifications (1 of 4 stars). 3 submissions from 3 submitters: Uncertain significance (1); Likely benign (1). 1 of the submissions does not count toward it. Last evaluated 2025-06-13.

Conditions:
PEX26-related disorder. Also called: PEX26-related condition.
Peroxisome biogenesis disorder 7A (Zellweger). Also called: Peroxisome biogenesis disorder 7A. Identifiers: Orphanet 912, MedGen C3888385, MONDO:0013938, OMIM 614872.
Peroxisome biogenesis disorder 7B (PBD7B). Identifiers: Orphanet 44, MedGen C3553951, MONDO:0013939, OMIM 614873.

Allele frequency attached by ClinVar (database versions not stated): gnomAD 0.00009; TOPMed 0.00009; 1000 Genomes Project 0.00040; 1000 Genomes Project 30x 0.00031.
gnomAD v4.1: 27 of 1,597,198 alleles (0.0017%); highest among the groups gnomAD compares: African/African-American, 0.033%; no homozygotes.

Submissions (3):

Labcorp Genetics (formerly Invitae), Labcorp
Classification: Likely benign for Peroxisome biogenesis disorder 7A (Zellweger); Peroxisome biogenesis disorder 7B. Last evaluated: 2025-06-13. Review status: criteria provided, single submitter. Criteria: Invitae Variant Classification Sherloc (09022015). Collection method: clinical testing. Allele origin: germline.

Eurofins Ntd Llc (ga)
Classification: Uncertain significance. Last evaluated: 2017-10-20. Review status: criteria provided, single submitter. Criteria: EGL Classification Definitions 2015. Collection method: clinical testing. Allele origin: germline. Observed: 1 variant allele, 1 heterozygote.

PreventionGenetics, part of Exact Sciences
Classification: Likely benign for PEX26-related condition. Last evaluated: 2020-05-27. Review status: no assertion criteria provided. Collection method: clinical testing. Allele origin: germline. Not counted in ClinVar's aggregate classification.
Comment: This variant is classified as likely benign based on ACMG/AMP sequence variant interpretation guidelines (Richards et al. 2015 PMID: 25741868, with internal and published modifications).